The following is an entry in ClinVar:

ClinVar aggregate classification (germline): Uncertain significance (1 of 4 stars; one submission).

Conditions:
Developmental and epileptic encephalopathy, 23 (DEE23). Also called: Epileptic encephalopathy, early infantile, 23. Identifiers: Orphanet 411986, MedGen C4014492, MONDO:0014371, OMIM 615859.

Submission:

Labcorp Genetics (formerly Invitae), Labcorp
Classification: Uncertain significance for Developmental and epileptic encephalopathy, 23. Last evaluated: 2022-02-19. Review status: criteria provided, single submitter. Criteria: Invitae Variant Classification Sherloc (09022015). Collection method: clinical testing. Allele origin: germline.
Comment: In summary, the available evidence is currently insufficient to determine the role of this variant in disease. Therefore, it has been classified as a Variant of Uncertain Significance. Algorithms developed to predict the effect of missense changes on protein structure and function are either unavailable or do not agree on the potential impact of this missense change (SIFT: "Deleterious"; PolyPhen-2: "Probably Damaging"; Align-GVGD: "Class C0"). This variant has not been reported in the literature in individuals affected with DOCK7-related conditions. This variant is not present in population databases (gnomAD no frequency). This sequence change replaces tyrosine, which is neutral and polar, with cysteine, which is neutral and slightly polar, at codon 565 of the DOCK7 protein (p.Tyr565Cys).

NM_001367561.1(DOCK7):c.1694A>G (p.Tyr565Cys)

Gene: DOCK7 (dedicator of cytokinesis 7; minus strand). Cytogenetic location: 1p31.3.
Variant type: single nucleotide variant.
Coding change: c.1694A>G on transcript NM_001367561.1 (MANE Select); coding-DNA position 1694, A replaced by G.
Protein change: p.Tyr565Cys; replaces tyrosine 565 with cysteine.
Molecular consequence: missense variant.
Genome position (GRCh38, 1-based): chr1:62,586,613, T>C on the plus strand (A>G on the coding strand, the complement: DOCK7 is on the minus strand). VCF-style: chr1-62586613-T-C. GRCh37 (hg19) VCF-style: chr1-63052284-T-C.
Other names: c.1694A>G, p.Tyr565Cys (NM_001271999.2, NM_001272000.2, NM_001272001.2 and 3 more transcripts); short protein forms Y565C.
Identifiers: ClinVar variation 2099638 (VCV002099638.4), dbSNP rs2525639792, ClinGen allele CA340630085.